The following is an entry in ClinVar:

NM_002880.4(RAF1):c.1928C>T (p.Pro643Leu)

Gene: RAF1 (Raf-1 proto-oncogene, serine/threonine kinase; minus strand). Cytogenetic location: 3p25.2.
Variant type: single nucleotide variant.
Coding change: c.1928C>T on transcript NM_002880.4 (MANE Select); coding-DNA position 1928, C replaced by T.
Protein change: p.Pro643Leu; replaces proline 643 with leucine.
Molecular consequence: missense variant. On other transcripts: non-coding transcript variant (3).
Genome position (GRCh38, 1-based): chr3:12,584,533, G>A on the plus strand (C>T on the coding strand, the complement: RAF1 is on the minus strand). VCF-style: chr3-12584533-G-A. GRCh37 (hg19) VCF-style: chr3-12626032-G-A.
Other names: c.1988C>T, p.Pro663Leu (NM_001354689.3); c.1928C>T, p.Pro643Leu (NM_001354690.3); c.1685C>T, p.Pro562Leu (NM_001354691.3, NM_001354692.3); c.1829C>T, p.Pro610Leu (NM_001354693.3); c.1745C>T, p.Pro582Leu (NM_001354694.3); c.1586C>T, p.Pro529Leu (NM_001354695.3); short protein forms P582L, P529L, P562L, P643L, P610L, P663L.
Identifiers: ClinVar variation 849719 (VCV000849719.9), dbSNP rs1382398408, ClinGen allele CA351495437.
Genomic context (GRCh38, chr3:12,584,533, plus strand): 5'-CTCCTCCTCCCCTGGCAGCCTGAAGACAGGTGCAAAGTCAACTAGAAGACAGGCAGCCTC[G>A]GGGACGTGGTCAGCGTGCAAGCATTGATATCCTCAGTGTGGGCTGCCCGATGCAAGGATG-3'
Protein context (NP_002871.1, residues 633-648): DINACTLTTS[Pro643Leu]RLPVF

ClinVar aggregate classification (germline): Uncertain significance. Review status: criteria provided, multiple submitters, no conflicts (2 of 4 stars). 3 submissions from 3 submitters: Uncertain significance (3). Last evaluated 2025-11-21.

Conditions:
Cardiovascular phenotype. Identifiers: MedGen CN230736.
RASopathy. Also called: Noonan spectrum disorder; rasopathies. Identifiers: Orphanet 536391, MedGen C5555857, MONDO:0021060.

Allele frequency attached by ClinVar (database versions not stated): gnomAD 0.00001; gnomAD exomes 0.00001; TOPMed 0.00002.
gnomAD v4.1: 13 of 1,614,040 alleles (0.00081%); highest among the groups gnomAD compares: East Asian, 0.0045%; no homozygotes.

Submissions (3):

Labcorp Genetics (formerly Invitae), Labcorp
Classification: Uncertain significance for RASopathy. Last evaluated: 2025-11-21. Review status: criteria provided, single submitter. Criteria: Invitae Variant Classification Sherloc (09022015). Collection method: clinical testing. Allele origin: germline.
Comment: This sequence change replaces proline, which is neutral and non-polar, with leucine, which is neutral and non-polar, at codon 643 of the RAF1 protein (p.Pro643Leu). This variant is present in population databases (no rsID available, gnomAD 0.004%). This variant has not been reported in the literature in individuals affected with RAF1-related conditions. ClinVar contains an entry for this variant (Variation ID: 849719). Invitae Evidence Modeling incorporating data from in vitro experimental studies (internal data) indicates that this missense variant is not expected to disrupt RAF1 function with a negative predictive value of 80%. In summary, the available evidence is currently insufficient to determine the role of this variant in disease. Therefore, it has been classified as a Variant of Uncertain Significance.

Ambry Genetics
Classification: Uncertain significance for Cardiovascular phenotype. Last evaluated: 2025-08-21. Review status: criteria provided, single submitter. Criteria: Ambry Variant Classification Scheme 2023. Collection method: clinical testing. Allele origin: germline.
Comment: The p.P643L variant (also known as c.1928C>T), located in coding exon 16 of the RAF1 gene, results from a C to T substitution at nucleotide position 1928. The proline at codon 643 is replaced by leucine, an amino acid with similar properties. This variant was reported in individual(s) with features consistent with RASopathy (Janin A et al. Mol Diagn Ther, 2021 May;25:373-385). This amino acid position is not well conserved in available vertebrate species. In addition, this alteration is predicted to be tolerated by in silico analysis. Based on the available evidence, the clinical significance of this variant remains unclear.

Women's Health and Genetics/Laboratory Corporation of America, LabCorp
Classification: Uncertain significance. Last evaluated: 2019-04-15. Review status: criteria provided, single submitter. Criteria: LabCorp Variant Classification Summary - May 2015. Collection method: clinical testing. Allele origin: germline.
Comment: Variant summary: RAF1 c.1928C>T (p.Pro643Leu) results in a non-conservative amino acid change in the encoded protein sequence. Three of five in-silico tools predict a damaging effect of the variant on protein function. The variant allele was found at a frequency of 8e-06 in 251246 control chromosomes (gnomAD). The available data on variant occurrences in the general population are insufficient to allow any conclusion about variant significance. c.1928C>T has been reported in the literature, somatic and germline occurrences, in pediatric cancer (Chmielecki_2017, Zhang_2015). These reports do not provide unequivocal conclusions about association of the variant with Noonan Syndrome and Related Conditions. To our knowledge, no experimental evidence demonstrating an impact on protein function has been reported. No clinical diagnostic laboratories have submitted clinical-significance assessments for this variant to ClinVar after 2014. Based on the evidence outlined above, the variant was classified as uncertain significance.

Literature cited by the submitters: PubMed 33954932 (cited by Ambry Genetics); PubMed 26580448 (cited by Women's Health and Genetics/Laboratory Corporation of America, LabCorp); PubMed 28069802 (cited by Women's Health and Genetics/Laboratory Corporation of America, LabCorp).